The following is an entry in ClinVar:

NM_001042492.3(NF1):c.6820-3A>G

Gene: NF1 (neurofibromin 1; plus strand). Cytogenetic location: 17q11.2.
Variant type: single nucleotide variant.
Coding change: c.6820-3A>G on transcript NM_001042492.3 (MANE Select); 3 bases into the intron before coding-DNA position 6820, A replaced by G.
Molecular consequence: intron variant.
Genome position (GRCh38, 1-based): chr17:31,338,701, A>G. VCF-style: chr17-31338701-A-G. GRCh37 (hg19) VCF-style: chr17-29665719-A-G.
Other names: c.6757-3A>G (NM_000267.4).
Identifiers: ClinVar variation 1708858 (VCV001708858.10), dbSNP rs2508762315, ClinGen allele CA2580093156.

ClinVar aggregate classification (germline): Conflicting classifications of pathogenicity. Review status: criteria provided, conflicting classifications (1 of 4 stars). 4 submissions from 4 submitters: Likely pathogenic (3); Uncertain significance (1). Last evaluated 2025-06-18.

Conditions:
Neurofibromatosis, type 1 (NF1). Also called: Peripheral type neurofibromatosis; VON RECKLINGHAUSEN DISEASE; NEUROFIBROMATOSIS, TYPE I, SOMATIC; Neurofibromatosis, type I. Identifiers: Orphanet 636, MedGen C0027831, MONDO:0018975, OMIM 162200. Disease mechanism: loss of function.
Cardiovascular phenotype. Identifiers: MedGen CN230736.
Hereditary cancer-predisposing syndrome. Also called: Hereditary neoplastic syndrome; Tumor predisposition; Neoplastic Syndromes, Hereditary; Hereditary Cancer Syndrome. Identifiers: Orphanet 140162, MedGen C0027672, MeSH D009386, MONDO:0015356.

Submissions (4):

Ambry Genetics
Classification: Likely pathogenic for Cardiovascular phenotype; Hereditary cancer-predisposing syndrome. Last evaluated: 2025-06-18. Review status: criteria provided, single submitter. Criteria: Ambry Variant Classification Scheme 2023. Collection method: clinical testing. Allele origin: germline.
Comment: The c.6757-3A>G intronic variant results from an A to G substitution 3 nucleotides upstream from coding exon 45 in the NF1 gene. This variant was reported in individual(s) with features consistent with neurofibromatosis type 1 (Evans DG et al. EBioMedicine, 2016 May;7:212-20; Ambry internal data). This nucleotide position is well conserved in available vertebrate species. In silico splice site analysis predicts that this alteration may weaken the native splice acceptor site and will result in the creation or strengthening of a novel splice acceptor site. RNA studies have demonstrated that this alteration results in abnormal splicing in the set of samples tested (Ambry internal data). This variant is considered to be rare based on population cohorts in the Genome Aggregation Database (gnomAD). Based on the majority of available evidence to date, this variant is likely to be pathogenic.

Centre of Medical Genetics, University Hospital Muenster
Classification: Likely pathogenic. Last evaluated: 2024-10-15. Review status: criteria provided, single submitter. Criteria: ACMG Guidelines, 2015. Collection method: clinical testing. Allele origin: de novo. Affected: yes. Observed: 1 variant allele, 1 heterozygote.
Comment: ACMG categories: PS2,PM2,PP3

Labcorp Genetics (formerly Invitae), Labcorp
Classification: Likely pathogenic for Neurofibromatosis, type 1. Last evaluated: 2023-08-22. Review status: criteria provided, single submitter. Criteria: Invitae Variant Classification Sherloc (09022015). Collection method: clinical testing. Allele origin: germline.
Comment: ClinVar contains an entry for this variant (Variation ID: 1708858). This sequence change falls in intron 44 of the NF1 gene. It does not directly change the encoded amino acid sequence of the NF1 protein. RNA analysis indicates that this variant induces altered splicing and likely results in a shortened protein product. This variant is not present in population databases (gnomAD no frequency). This variant has been observed in individual(s) with neurofibromatosis type 1 (PMID: 27322474). Variants that disrupt the consensus splice site are a relatively common cause of aberrant splicing (PMID: 17576681, 9536098). Studies have shown that this variant results in skipping of exon 45, but is expected to preserve the integrity of the reading-frame (PMID: 27322474). In summary, the currently available evidence indicates that the variant is pathogenic, but additional data are needed to prove that conclusively. Therefore, this variant has been classified as Likely Pathogenic.

GeneDx
Classification: Uncertain significance. Last evaluated: 2022-04-04. Review status: criteria provided, single submitter. Criteria: GeneDx Variant Classification Process June 2021. Collection method: clinical testing. Allele origin: germline. Affected: yes.
Comment: Identified in an individual meeting NIH criteria and reported to result in abnormal splicing (Evans 2016); Not observed at significant frequency in large population cohorts (gnomAD); In silico analysis supports a deleterious effect on splicing; Also known as IVS36-3A>G; This variant is associated with the following publications: (PMID: 27322474)

Literature cited by the submitters: PubMed 27322474 (cited by Ambry Genetics and Labcorp Genetics (formerly Invitae), Labcorp); PubMed 17576681 (cited by Labcorp Genetics (formerly Invitae), Labcorp); PubMed 9536098 (cited by Labcorp Genetics (formerly Invitae), Labcorp).